The following is an entry in ClinVar:

NM_000170.3(GLDC):c.2384G>C (p.Cys795Ser)

Gene: GLDC (glycine decarboxylase; minus strand). Cytogenetic location: 9p24.1.
Variant type: single nucleotide variant.
Coding change: c.2384G>C on transcript NM_000170.3 (MANE Select); coding-DNA position 2384, G replaced by C.
Protein change: p.Cys795Ser; replaces cysteine 795 with serine.
Molecular consequence: missense variant.
Genome position (GRCh38, 1-based): chr9:6,553,441, C>G on the plus strand (G>C on the coding strand, the complement: GLDC is on the minus strand). VCF-style: chr9-6553441-C-G. GRCh37 (hg19) VCF-style: chr9-6553441-C-G.
Other names: short protein forms C795S.
Identifiers: ClinVar variation 2113989 (VCV002113989.4), dbSNP rs2489031812, ClinGen allele CA372878566.

ClinVar aggregate classification (germline): Uncertain significance (1 of 4 stars; one submission).

Conditions:
Glycine encephalopathy. Also called: Non-ketotic hyperglycinemia; Nonketotic hyperglycinemia. Identifiers: Orphanet 407, MedGen C0751748, MONDO:0011612, HP:0008288.

Submission:

Labcorp Genetics (formerly Invitae), Labcorp
Classification: Uncertain significance for Glycine encephalopathy. Last evaluated: 2022-03-27. Review status: criteria provided, single submitter. Criteria: Invitae Variant Classification Sherloc (09022015). Collection method: clinical testing. Allele origin: germline.
Comment: This sequence change replaces cysteine, which is neutral and slightly polar, with serine, which is neutral and polar, at codon 795 of the GLDC protein (p.Cys795Ser). This variant is not present in population databases (gnomAD no frequency). This variant has not been reported in the literature in individuals affected with GLDC-related conditions. Advanced modeling of protein sequence and biophysical properties (such as structural, functional, and spatial information, amino acid conservation, physicochemical variation, residue mobility, and thermodynamic stability) performed at Invitae indicates that this missense variant is not expected to disrupt GLDC protein function. In summary, the available evidence is currently insufficient to determine the role of this variant in disease. Therefore, it has been classified as a Variant of Uncertain Significance.